The following is an entry in ClinVar:

ClinVar aggregate classification (germline): Conflicting classifications of pathogenicity. Review status: criteria provided, conflicting classifications (1 of 4 stars). 5 submissions from 5 submitters: Likely pathogenic (3); Uncertain significance (2). Last evaluated 2025-05-19.

Conditions:
FLNA-related disorder.
Heterotopia, periventricular, X-linked dominant (PVNH1). Also called: PERIVENTRICULAR NODULAR HETEROTOPIA 4; HETEROTOPIA, PERIVENTRICULAR, 1; PERIVENTRICULAR NODULAR HETEROTOPIA 1; X-linked periventricular heterotopia. Identifiers: Orphanet 2149, Orphanet 82004, MedGen C1848213, MONDO:0010233, OMIM 300049.
Melnick-Needles syndrome (MNS). Also called: Melnick-Needles Syndrome (FLNA-MNS); OSTEODYSPLASTY OF MELNICK AND NEEDLES; MELNICK-NEEDLES OSTEODYSPLASTY. Identifiers: Orphanet 2484, MedGen C0025237, MONDO:0010650, OMIM 309350.
Oto-palato-digital syndrome, type II (OPD2). Also called: Otopalatodigital Syndrome, Type II; Otopalatodigital Syndrome Type 2 (FLNA-OPD2); OPD II SYNDROME; FACIOPALATOOSSEOUS SYNDROME. Identifiers: Orphanet 669, Orphanet 90652, MedGen C1844696, MONDO:0010571, OMIM 304120.
Frontometaphyseal dysplasia (FMD1). Identifiers: Orphanet 1826, MedGen C0265293, MONDO:0015942.
Frontometaphyseal dysplasia 1 (FMD1). Also called: Frontometaphyseal Dysplasia (FLNA-FMD). Identifiers: Orphanet 1826, MedGen C4281559, MONDO:0024550, OMIM 305620.

Submissions (5):

Labcorp Genetics (formerly Invitae), Labcorp
Classification: Likely pathogenic for Oto-palato-digital syndrome, type II; Heterotopia, periventricular, X-linked dominant; Frontometaphyseal dysplasia; Melnick-Needles syndrome. Last evaluated: 2025-05-19. Review status: criteria provided, single submitter. Criteria: Invitae Variant Classification Sherloc (09022015). Collection method: clinical testing. Allele origin: germline.
Comment: This sequence change replaces glutamic acid, which is acidic and polar, with lysine, which is basic and polar, at codon 245 of the FLNA protein (p.Glu245Lys). This variant is not present in population databases (gnomAD no frequency). This missense change has been observed in individuals with FLNA-related conditions (PMID: 16835913; internal data). It has also been observed to segregate with disease in related individuals. ClinVar contains an entry for this variant (Variation ID: 197727). Invitae Evidence Modeling of protein sequence and biophysical properties (such as structural, functional, and spatial information, amino acid conservation, physicochemical variation, residue mobility, and thermodynamic stability) has been performed for this missense variant. However, the output from this modeling did not meet the statistical confidence thresholds required to predict the impact of this variant on FLNA protein function. In summary, the currently available evidence indicates that the variant is pathogenic, but additional data are needed to prove that conclusively. Therefore, this variant has been classified as Likely Pathogenic.

GeneDx
Classification: Uncertain significance. Last evaluated: 2024-08-14. Review status: criteria provided, single submitter. Criteria: GeneDx Variant Classification Process June 2021. Collection method: clinical testing. Allele origin: germline. Affected: yes.
Comment: In silico analysis supports that this missense variant has a deleterious effect on protein structure/function; Not observed at significant frequency in large population cohorts (gnomAD); This variant is associated with the following publications: (PMID: 16835913)

Blueprint Genetics
Classification: Likely pathogenic for FLNA-related disorders. Last evaluated: 2023-01-03. Review status: criteria provided, single submitter. Criteria: ACMG Guidelines, 2015. Collection method: clinical testing. Allele origin: germline. Affected: yes. Observed: 1 variant allele.

Victorian Clinical Genetics Services, Murdoch Childrens Research Institute
Classification: Likely pathogenic for Frontometaphyseal dysplasia 1. Last evaluated: 2020-06-11. Review status: criteria provided, single submitter. Criteria: ACMG Guidelines, 2015. Collection method: clinical testing. Allele origin: germline. Inheritance: X-linked recessive inheritance. Affected: yes.
Comment: Based on the classification scheme VCGS_Germline_v1.1.1, this variant is classified as Likely pathogenic. Following criteria are met: 0103 - Both loss- and gain-of-function are known mechanisms of disease for this gene. Loss of function is the mechanism of truncating or distal truncating, hypomorphic missense or mosaic variants which cause periventricular nodular heterotopia, X-linked cardiac valvular dystrophy and gastrointestinal diseases. Whereas, gain of function is the mechanism of most missense and small in-frame deletions cluster in ABD and filamin repeats 3, 10 and 14/15 domains that lead to Oto-palato-digital spectrum of disease. Lastly, X-linked cardiac valvular dystrophy is caused by mostly missense or splice in filamin repeats 1, 4, 5, 6 and 7 (PMID:30089473). (N) 0108 - This gene is known to be associated with both recessive and dominant disease (OMIM). (N) 0200 - Variant is predicted to result in a missense amino acid change from glutamic acid to lysine (exon 5 of 48). (N) 0253 - Variant is hemizygous. (N) 0301 - Variant is absent from gnomAD. (P) 0501 - Missense variant consistently predicted to be damaging by multiple in silico tools and highly conserved with a minor amino acid change. (P) 0603 - Missense variant in the calponin homology domain that is highly intolerant to missense variation. (P) 0705 - No comparable variants have previous evidence for pathogenicity. (N) 0803 - Low previous evidence of pathogenicity in unrelated individuals. The variant has been previously reported in one patient with Frontometaphyseal Dysplasia (PMID: 16835913), it has also been reported once as a VUS in ClinVar. (P) 1007 - No published functional evidence has been identified for this variant. (N) 1102 - Strong phenotype match. (N) Legend: (P) - Pathogenic, (N) - Neutral, (B) - Benign

Eurofins Ntd Llc (ga)
Classification: Uncertain significance. Last evaluated: 2014-09-24. Review status: criteria provided, single submitter. Criteria: EGL Classification Definitions 2015. Collection method: clinical testing. Allele origin: germline. Observed: 1 variant allele, 1 hemizygote.

Literature cited by the submitters: PubMed 16835913 (cited by 3 submitters); PubMed 30089473 (cited by Victorian Clinical Genetics Services, Murdoch Childrens Research Institute).

NM_001110556.2(FLNA):c.733G>A (p.Glu245Lys)

Gene: FLNA (filamin A; minus strand). Cytogenetic location: Xq28.
Variant type: single nucleotide variant.
Coding change: c.733G>A on transcript NM_001110556.2 (MANE Select); coding-DNA position 733, G replaced by A.
Protein change: p.Glu245Lys; replaces glutamic acid 245 with lysine.
Molecular consequence: missense variant.
Genome position (GRCh38, 1-based): chrX:154,367,532, C>T on the plus strand (G>A on the coding strand, the complement: FLNA is on the minus strand). VCF-style: chrX-154367532-C-T. GRCh37 (hg19) VCF-style: chrX-153595900-C-T.
Other names: c.733G>A (NM_001110556.1, NM_001456.3); c.733G>A, p.Glu245Lys (NM_001456.4); short protein forms E245K.
Identifiers: ClinVar variation 197727 (VCV000197727.16), dbSNP rs797044753, ClinGen allele CA246036.